The following is an entry in ClinVar:

NM_004304.5(ALK):c.983A>G (p.Asp328Gly)

Gene: ALK (ALK receptor tyrosine kinase; minus strand). Cytogenetic location: 2p23.2.
Variant type: single nucleotide variant.
Coding change: c.983A>G on transcript NM_004304.5 (MANE Select); coding-DNA position 983, A replaced by G.
Protein change: p.Asp328Gly; replaces aspartic acid 328 with glycine.
Molecular consequence: missense variant.
Genome position (GRCh38, 1-based): chr2:29,532,086, T>C on the plus strand (A>G on the coding strand, the complement: ALK is on the minus strand). VCF-style: chr2-29532086-T-C. GRCh37 (hg19) VCF-style: chr2-29754952-T-C.
Other names: short protein forms D328G.
Identifiers: ClinVar variation 839521 (VCV000839521.14), dbSNP rs556138942, ClinGen allele CA1594785.

ClinVar aggregate classification (germline): Uncertain significance. Review status: criteria provided, multiple submitters, no conflicts (2 of 4 stars). 3 submissions from 3 submitters: Uncertain significance (3). Last evaluated 2025-06-11.

Conditions:
Hereditary cancer-predisposing syndrome. Also called: Neoplastic Syndromes, Hereditary; Hereditary neoplastic syndrome; Tumor predisposition; Hereditary Cancer Syndrome. Identifiers: Orphanet 140162, MedGen C0027672, MeSH D009386, MONDO:0015356.
Neuroblastoma, susceptibility to, 3. Also called: ALK-Related Neuroblastic Tumor Susceptibility. Identifiers: Orphanet 635, MedGen C2751681, MONDO:0013083, OMIM 613014.

Allele frequency attached by ClinVar (database versions not stated): gnomAD exomes below 0.00001; ExAC 0.00001; gnomAD 0.00002 and 0.00005; TOPMed 0.00002.
gnomAD v4.1: 9 of 1,612,380 alleles (0.00056%); highest among the groups gnomAD compares: African/African-American, 0.012%; 1 homozygote.

Submissions (3):

Labcorp Genetics (formerly Invitae), Labcorp
Classification: Uncertain significance for Neuroblastoma, susceptibility to, 3. Last evaluated: 2025-06-11. Review status: criteria provided, single submitter. Criteria: Invitae Variant Classification Sherloc (09022015). Collection method: clinical testing. Allele origin: germline.
Comment: This sequence change replaces aspartic acid, which is acidic and polar, with glycine, which is neutral and non-polar, at codon 328 of the ALK protein (p.Asp328Gly). This variant is present in population databases (rs556138942, gnomAD 0.008%). This variant has not been reported in the literature in individuals affected with ALK-related conditions. ClinVar contains an entry for this variant (Variation ID: 839521). An algorithm developed to predict the effect of missense changes on protein structure and function (PolyPhen-2) suggests that this variant is likely to be tolerated. In summary, the available evidence is currently insufficient to determine the role of this variant in disease. Therefore, it has been classified as a Variant of Uncertain Significance.

Ambry Genetics
Classification: Uncertain significance for Hereditary cancer-predisposing syndrome. Last evaluated: 2024-07-15. Review status: criteria provided, single submitter. Criteria: Ambry Variant Classification Scheme 2023. Collection method: clinical testing. Allele origin: germline.
Comment: The p.D328G variant (also known as c.983A>G), located in coding exon 4 of the ALK gene, results from an A to G substitution at nucleotide position 983. The aspartic acid at codon 328 is replaced by glycine, an amino acid with similar properties. This amino acid position is conserved. In addition, this alteration is predicted to be tolerated by in silico analysis. Since supporting evidence is limited at this time, the clinical significance of this alteration remains unclear.

GeneDx
Classification: Uncertain significance. Last evaluated: 2023-11-25. Review status: criteria provided, single submitter. Criteria: GeneDx Variant Classification Process June 2021. Collection method: clinical testing. Allele origin: germline. Affected: yes.
Comment: Not observed at significant frequency in large population cohorts (gnomAD); In silico analysis supports that this missense variant does not alter protein structure/function; Has not been previously published as pathogenic or benign to our knowledge